The following is an entry in ClinVar:

ClinVar aggregate classification (germline): Likely pathogenic (1 of 4 stars; one submission).

Conditions:
SLC25A15-related disorder. Also called: SLC25A15-related condition.

Submission:

PreventionGenetics, part of Exact Sciences
Classification: Likely pathogenic for SLC25A15-related condition. Last evaluated: 2023-01-23. Review status: criteria provided, single submitter. Criteria: ACMG Guidelines, 2015. Collection method: clinical testing. Allele origin: germline.
Comment: The SLC25A15 c.760_762delinsTG variant is predicted to result in premature protein termination (p.Ile254*). To our knowledge, this variant has not been reported in the literature or in a large population database, indicating this variant is rare. Nonsense variants in SLC25A15 are expected to be pathogenic, and therefore this variant is interpreted as likely pathogenic.

NM_014252.4(SLC25A15):c.760_762delinsTG (p.Phe253_Ile254insTer)

Gene: SLC25A15 (solute carrier family 25 member 15; plus strand). Cytogenetic location: 13q14.11.
Variant type: Indel.
Coding change: c.760_762delinsTG on transcript NM_014252.4 (MANE Select); coding-DNA positions 760 to 762, ATA replaced by TG.
Protein change: p.Phe253_Ile254insTer.
Molecular consequence: nonsense.
Genome position (GRCh38, 1-based): chr13:40,808,575-40,808,577, ATA replaced by TG. VCF-style: chr13-40808575-ATA-TG. GRCh37 (hg19) VCF-style: chr13-41382711-ATA-TG.
Identifiers: ClinVar variation 2630601 (VCV002630601.1), dbSNP rs2546922711, ClinGen allele CA2695199739.